The following is an entry in ClinVar:

ClinVar aggregate classification (germline): Uncertain significance. Review status: criteria provided, multiple submitters, no conflicts (2 of 4 stars). 2 submissions from 2 submitters: Uncertain significance (2). Last evaluated 2025-08-15.

Conditions:
Inborn genetic diseases. Identifiers: MedGen C0950123, MeSH D030342.

Allele frequency attached by ClinVar (database versions not stated): TOPMed 0.00001; ExAC 0.00002; gnomAD 0.00002; 1000 Genomes Project 30x 0.00016; 1000 Genomes Project 0.00020.
gnomAD v4.1: 19 of 1,613,198 alleles (0.0012%); highest among the groups gnomAD compares: Admixed American, 0.0033%; no homozygotes.

Submissions (2):

Labcorp Genetics (formerly Invitae), Labcorp
Classification: Uncertain significance. Last evaluated: 2025-08-15. Review status: criteria provided, single submitter. Criteria: Invitae Variant Classification Sherloc (09022015). Collection method: clinical testing. Allele origin: germline.
Comment: This sequence change replaces valine, which is neutral and non-polar, with leucine, which is neutral and non-polar, at codon 882 of the SLC12A6 protein (p.Val882Leu). This variant is present in population databases (rs559892112, gnomAD 0.003%). This variant has not been reported in the literature in individuals affected with SLC12A6-related conditions. ClinVar contains an entry for this variant (Variation ID: 2071864). Invitae Evidence Modeling of protein sequence and biophysical properties (such as structural, functional, and spatial information, amino acid conservation, physicochemical variation, residue mobility, and thermodynamic stability) indicates that this missense variant is not expected to disrupt SLC12A6 protein function with a negative predictive value of 80%. In summary, the available evidence is currently insufficient to determine the role of this variant in disease. Therefore, it has been classified as a Variant of Uncertain Significance.

Ambry Genetics
Classification: Uncertain significance for Inborn genetic diseases. Last evaluated: 2024-09-02. Review status: criteria provided, single submitter. Criteria: Ambry Variant Classification Scheme 2023. Collection method: clinical testing. Allele origin: germline.

NM_001365088.1(SLC12A6):c.2644G>C (p.Val882Leu)

Gene: SLC12A6 (solute carrier family 12 member 6; minus strand). Cytogenetic location: 15q14.
Variant type: single nucleotide variant.
Coding change: c.2644G>C on transcript NM_001365088.1 (MANE Select); coding-DNA position 2644, G replaced by C.
Protein change: p.Val882Leu; replaces valine 882 with leucine.
Molecular consequence: missense variant.
Genome position (GRCh38, 1-based): chr15:34,238,390, C>G on the plus strand (G>C on the coding strand, the complement: SLC12A6 is on the minus strand). VCF-style: chr15-34238390-C-G. GRCh37 (hg19) VCF-style: chr15-34530591-C-G.
Other names: c.2467G>C, p.Val823Leu (NM_001042494.2, NM_001042495.2); c.2617G>C, p.Val873Leu (NM_001042496.2); c.2599G>C, p.Val867Leu (NM_001042497.2); c.2491G>C, p.Val831Leu (NM_005135.2); c.2644G>C, p.Val882Leu (NM_133647.2); short protein forms V831L, V867L, V823L, V873L, V882L.
Identifiers: ClinVar variation 2071864 (VCV002071864.5), dbSNP rs559892112, ClinGen allele CA7464032.
Genomic context (GRCh38, chr15:34,238,390, plus strand): 5'-TGCTGGGAAAGAAGGAGATGTTTTTAGCCACCAGCAGTGCAAGATGGGCAGCAGTTGTCA[C>G]TCGAACTGTGCCTAGGGAGAAAAAAGAATAAGCAGAGAAGAATCCTTAGGCTTGCCTTGC-3'
Protein context (NP_001352017.1, residues 872-892): AWKTFIGTVR[Val882Leu]TTAAHLALLV